The following is an entry in ClinVar:

ClinVar aggregate classification (germline): Uncertain significance (1 of 4 stars; one submission).

Submission:

GeneDx
Classification: Uncertain significance. Last evaluated: 2025-05-22. Review status: criteria provided, single submitter. Criteria: GeneDx Variant Classification Process June 2021. Collection method: clinical testing. Allele origin: germline. Affected: yes.
Comment: Not observed at significant frequency in large population cohorts (gnomAD); In silico analysis supports that this missense variant has a deleterious effect on protein structure/function; Has not been previously published as pathogenic or benign to our knowledge

NM_003718.5(CDK13):c.1217C>G (p.Ser406Cys)

Gene: CDK13 (cyclin dependent kinase 13; plus strand). Cytogenetic location: 7p14.1.
Variant type: single nucleotide variant.
Coding change: c.1217C>G on transcript NM_003718.5 (MANE Select); coding-DNA position 1217, C replaced by G.
Protein change: p.Ser406Cys; replaces serine 406 with cysteine.
Molecular consequence: missense variant.
Genome position (GRCh38, 1-based): chr7:39,987,604, C>G. VCF-style: chr7-39987604-C-G. GRCh37 (hg19) VCF-style: chr7-40027203-C-G.
Other names: c.1217C>G, p.Ser406Cys (NM_031267.4); short protein forms S406C.
Identifiers: ClinVar variation 4531127 (VCV004531127.1).